The following is an entry in ClinVar:

NM_001360.3(DHCR7):c.626+1G>A

Gene: DHCR7 (7-dehydrocholesterol reductase; minus strand). Cytogenetic location: 11q13.4.
Variant type: single nucleotide variant.
Coding change: c.626+1G>A on transcript NM_001360.3 (MANE Select); the canonical splice donor site of the intron after coding-DNA position 626, G replaced by A.
Molecular consequence: splice donor variant.
Genome position (GRCh38, 1-based): chr11:71,441,226, C>T on the plus strand (G>A on the coding strand, the complement: DHCR7 is on the minus strand). VCF-style: chr11-71441226-C-T. GRCh37 (hg19) VCF-style: chr11-71152272-C-T.
Other names: c.626+1G>A (NM_001425120.1, NM_001425109.1, NM_001163817.2 and 8 more transcripts); c.530+1G>A (NM_001425114.1, NM_001425116.1); c.566+1G>A (NM_001425113.1); c.662+1G>A (NM_001425108.1); c.452+1G>A (NM_001425117.1).
Identifiers: ClinVar variation 4776999 (VCV004776999.3).

ClinVar aggregate classification (germline): Likely pathogenic. Review status: criteria provided, multiple submitters, no conflicts (2 of 4 stars). 2 submissions from 2 submitters: Likely pathogenic (2). Last evaluated 2025-11-15.

Conditions:
Smith-Lemli-Opitz syndrome (SLOS). Also called: LETHAL ACRODYSGENITAL SYNDROME; POLYDACTYLY, SEX REVERSAL, RENAL HYPOPLASIA, AND UNILOBAR LUNG; RSH SYNDROME; RUTLEDGE LETHAL MULTIPLE CONGENITAL ANOMALY SYNDROME; 7-Dehydrocholesterol reductase deficiency. Identifiers: Orphanet 818, MedGen C0175694, MONDO:0010035, OMIM 270400.

gnomAD v4.1: 1 of 1,614,130 alleles (0.000062%); no homozygotes.

Submissions (2):

Labcorp Genetics (formerly Invitae), Labcorp
Classification: Likely pathogenic for Smith-Lemli-Opitz syndrome. Last evaluated: 2025-11-15. Review status: criteria provided, single submitter. Criteria: Invitae Variant Classification Sherloc (09022015). Collection method: clinical testing. Allele origin: germline.
Comment: This sequence change affects a donor splice site in intron 6 of the DHCR7 gene. It is expected to disrupt RNA splicing. Variants that disrupt the donor or acceptor splice site typically lead to a loss of protein function (PMID: 16199547), and loss-of-function variants in DHCR7 are known to be pathogenic (PMID: 9634533, 10677299). This variant is not present in population databases (gnomAD no frequency). This variant has not been reported in the literature in individuals affected with DHCR7-related conditions. Algorithms developed to predict the effect of sequence changes on RNA splicing suggest that this variant may disrupt the consensus splice site. In summary, the currently available evidence indicates that the variant is pathogenic, but additional data are needed to prove that conclusively. Therefore, this variant has been classified as Likely Pathogenic.

Natera, Inc.
Classification: Likely pathogenic for Smith-Lemli-Opitz syndrome. Last evaluated: 2024-12-12. Review status: criteria provided, single submitter. Criteria: Natera Variant Classification Schema (03/2026). Collection method: clinical testing. Allele origin: germline.
Comment: The c.626+1G>A variant in DHCR7 is a canonical splice donor site variant predicted to affect pre-mRNA splicing, which may result in an abnormal transcript and altered protein product. This variant is expected to result in nonsense mediated decay, truncation, or a dysfunctional protein product. This variant is rare in the general population with a frequency below the threshold expected for the associated phenotype(s). Given the available evidence, this variant is classified as Likely Pathogenic.

Literature cited by the submitters: PubMed 16199547 (cited by Labcorp Genetics (formerly Invitae), Labcorp); PubMed 9634533 (cited by Labcorp Genetics (formerly Invitae), Labcorp); PubMed 10677299 (cited by Labcorp Genetics (formerly Invitae), Labcorp).